The following is an entry in ClinVar:

ClinVar aggregate classification (germline): Uncertain significance (1 of 4 stars; one submission).

Submission:

CeGaT Center for Human Genetics Tuebingen
Classification: Uncertain significance. Last evaluated: 2024-01-01. Review status: criteria provided, single submitter. Criteria: CeGaT Center For Human Genetics Tuebingen Variant Classification Criteria Version 2. Collection method: clinical testing. Allele origin: germline. Affected: yes. Observed: 1 variant allele.
Comment: KMT2B: PM2, PP3

NM_014727.3(KMT2B):c.4613A>G (p.His1538Arg)

Gene: KMT2B (lysine methyltransferase 2B; plus strand). Cytogenetic location: 19q13.12.
Variant type: single nucleotide variant.
Coding change: c.4613A>G on transcript NM_014727.3 (MANE Select); coding-DNA position 4613, A replaced by G.
Protein change: p.His1538Arg; replaces histidine 1538 with arginine.
Molecular consequence: missense variant.
Genome position (GRCh38, 1-based): chr19:35,728,815, A>G. VCF-style: chr19-35728815-A-G. GRCh37 (hg19) VCF-style: chr19-36219716-A-G.
Other names: short protein forms H1538R.
Identifiers: ClinVar variation 3026817 (VCV003026817.22), dbSNP rs2513341680, ClinGen allele CA405416028.